The following is an entry in ClinVar:

NM_017909.4(RMND1):c.1250G>A (p.Arg417Gln)

Gene: RMND1 (required for meiotic nuclear division 1 homolog; minus strand). Cytogenetic location: 6q25.1.
Variant type: single nucleotide variant.
Coding change: c.1250G>A on transcript NM_017909.4 (MANE Select); coding-DNA position 1250, G replaced by A.
Protein change: p.Arg417Gln; replaces arginine 417 with glutamine.
Molecular consequence: missense variant.
Genome position (GRCh38, 1-based): chr6:151,405,787, C>T on the plus strand (G>A on the coding strand, the complement: RMND1 is on the minus strand). VCF-style: chr6-151405787-C-T. GRCh37 (hg19) VCF-style: chr6-151726922-C-T.
Other names: c.740G>A, p.Arg247Gln (NM_001271937.2); short protein forms R417Q, R247Q.
Identifiers: ClinVar variation 39765 (VCV000039765.6), dbSNP rs397515421, ClinGen allele CA130537.

ClinVar aggregate classification (germline): Pathogenic/Likely pathogenic. Review status: criteria provided, multiple submitters, no conflicts (2 of 4 stars). 5 submissions from 5 submitters: Pathogenic (2); Likely pathogenic (1). 2 of the submissions do not count toward it. Last evaluated 2025-02-03.

Conditions:
RMND1-related disorder. Also called: RMND1-related condition.
Combined oxidative phosphorylation defect type 11. Also called: Combined oxidative phosphorylation deficiency 11; ENCEPHALONEUROMYOPATHY, INFANTILE, DUE TO MITOCHONDRIAL TRANSLATION DEFECT. Identifiers: Orphanet 324535, MedGen C5190991, MONDO:0013969, OMIM 614922.
Mitochondrial disease. Also called: Mitochondrial disorders; Mitochondrial disorder. Identifiers: Orphanet 68380, MedGen C0751651, MeSH D028361, MONDO:0044970.

Allele frequency attached by ClinVar (database versions not stated): ExAC 0.00001; gnomAD exomes 0.00001 and 0.00002; TOPMed 0.00001; gnomAD 0.00002.
gnomAD v4.1: 16 of 1,612,640 alleles (0.00099%); highest among the groups gnomAD compares: Admixed American, 0.0083%; no homozygotes.

Submissions (5):

Labcorp Genetics (formerly Invitae), Labcorp
Classification: Pathogenic. Last evaluated: 2025-02-03. Review status: criteria provided, single submitter. Criteria: Invitae Variant Classification Sherloc (09022015). Collection method: clinical testing. Allele origin: germline.
Comment: This sequence change replaces arginine, which is basic and polar, with glutamine, which is neutral and polar, at codon 417 of the RMND1 protein (p.Arg417Gln). This variant is present in population databases (rs397515421, gnomAD 0.009%). This missense change has been observed in individual(s) with combined oxidative phosphorylation deficiency (PMID: 23022098, 26238252, 27412952). In at least one individual the data is consistent with being in trans (on the opposite chromosome) from a pathogenic variant. It has also been observed to segregate with disease in related individuals. ClinVar contains an entry for this variant (Variation ID: 39765). Invitae Evidence Modeling of protein sequence and biophysical properties (such as structural, functional, and spatial information, amino acid conservation, physicochemical variation, residue mobility, and thermodynamic stability) indicates that this missense variant is expected to disrupt RMND1 protein function with a positive predictive value of 80%. Studies have shown that this missense change alters RMND1 gene expression (PMID: 23022098, 25604853, 26238252). For these reasons, this variant has been classified as Pathogenic.

Blueprint Genetics
Classification: Likely pathogenic for RMND1-related disorders. Last evaluated: 2022-05-23. Review status: criteria provided, single submitter. Criteria: ACMG Guidelines, 2015. Collection method: clinical testing. Allele origin: germline. Affected: yes. Observed: 1 variant allele.

Fulgent Genetics
Classification: Pathogenic for Combined oxidative phosphorylation defect type 11. Last evaluated: 2021-08-15. Review status: criteria provided, single submitter. Criteria: ACMG Guidelines, 2015. Collection method: clinical testing. Allele origin: unknown.

Mitochondrial Research Group, Newcastle University
Classification: Pathogenic for Mitochondrial disease. Last evaluated: 2015-12-22. Review status: no assertion criteria provided. Collection method: clinical testing. Allele origin: germline. Affected: yes. Not counted in ClinVar's aggregate classification.

OMIM
Classification: Pathogenic for COMBINED OXIDATIVE PHOSPHORYLATION DEFICIENCY 11. Last evaluated: 2012-10-05. Review status: no assertion criteria provided. Collection method: literature only. Allele origin: germline. Not counted in ClinVar's aggregate classification.

Literature cited by the submitters: PubMed 23022098 (cited by Labcorp Genetics (formerly Invitae), Labcorp and OMIM); PubMed 26238252 (cited by Labcorp Genetics (formerly Invitae), Labcorp); PubMed 27412952 (cited by Labcorp Genetics (formerly Invitae), Labcorp and Mitochondrial Research Group, Newcastle University); PubMed 25604853 (cited by Labcorp Genetics (formerly Invitae), Labcorp).